The following is an entry in ClinVar:

ClinVar aggregate classification (germline): Uncertain significance. Review status: criteria provided, multiple submitters, no conflicts (2 of 4 stars). 2 submissions from 2 submitters: Uncertain significance (2). Last evaluated 2025-05-19.

Conditions:
Hereditary cancer-predisposing syndrome. Also called: Neoplastic Syndromes, Hereditary; Tumor predisposition; Hereditary Cancer Syndrome; Hereditary neoplastic syndrome. Identifiers: Orphanet 140162, MedGen C0027672, MeSH D009386, MONDO:0015356.

Submissions (2):

Ambry Genetics
Classification: Uncertain significance for Hereditary cancer-predisposing syndrome. Last evaluated: 2025-05-19. Review status: criteria provided, single submitter. Criteria: Ambry Variant Classification Scheme 2023. Collection method: clinical testing. Allele origin: germline.
Comment: The p.G1218C variant (also known as c.3652G>T), located in coding exon 8 of the MSH6 gene, results from a G to T substitution at nucleotide position 3652. The glycine at codon 1218 is replaced by cysteine, an amino acid with highly dissimilar properties. This amino acid position is highly conserved in available vertebrate species. In addition, this alteration is predicted to be deleterious by in silico analysis. Based on the available evidence, the clinical significance of this variant remains unclear.

Color Diagnostics, LLC DBA Color Health
Classification: Uncertain significance for Hereditary cancer-predisposing syndrome. Last evaluated: 2023-02-15. Review status: criteria provided, single submitter. Criteria: ACMG Guidelines, 2015. Collection method: clinical testing. Allele origin: germline.
Comment: This missense variant replaces glycine with cysteine at codon 1218 of the MSH6 protein. Computational prediction suggests that this variant may have deleterious impact on protein structure and function (internally defined REVEL score threshold >= 0.7, PMID: 27666373). To our knowledge, functional studies have not been reported for this variant. This variant has not been reported in individuals affected with MSH6-related disorders in the literature. This variant has not been identified in the general population by the Genome Aggregation Database (gnomAD). The available evidence is insufficient to determine the role of this variant in disease conclusively. Therefore, this variant is classified as a Variant of Uncertain Significance.

NM_000179.3(MSH6):c.3652G>T (p.Gly1218Cys)

Gene: MSH6 (mutS homolog 6; plus strand). Cytogenetic location: 2p16.3.
Variant type: single nucleotide variant.
Coding change: c.3652G>T on transcript NM_000179.3 (MANE Select); coding-DNA position 3652, G replaced by T.
Protein change: p.Gly1218Cys; replaces glycine 1218 with cysteine.
Molecular consequence: missense variant.
Genome position (GRCh38, 1-based): chr2:47,806,209, G>T. VCF-style: chr2-47806209-G-T. GRCh37 (hg19) VCF-style: chr2-48033348-G-T.
Other names: c.3262G>T, p.Gly1088Cys (NM_001281492.2); c.2746G>T, p.Gly916Cys (NM_001281493.2, NM_001281494.2, NM_001406811.1 and 6 more transcripts); c.3748G>T, p.Gly1250Cys (NM_001406795.1, NM_001406802.1); c.3652G>T, p.Gly1218Cys (NM_001406796.1, NM_001406800.1, NM_001406808.1 and 1 more transcripts); c.3355G>T, p.Gly1119Cys (NM_001406797.1, NM_001406801.1, NM_001406805.1 and 10 more transcripts); c.3478G>T, p.Gly1160Cys (NM_001406798.1); c.3127G>T, p.Gly1043Cys (NM_001406799.1, NM_001406806.1, NM_001406807.1); c.2788G>T, p.Gly930Cys (NM_001406803.1); and 7 more; short protein forms G1088C, G1119C, G1192C, G1218C, G1250C, G145C, G1162C, G167C.
Identifiers: ClinVar variation 1733612 (VCV001733612.5), dbSNP rs776407427, ClinGen allele CA346760819.
Genomic context (GRCh38, chr2:47,806,209, plus strand): 5'-CTTTTTTGTTTTAATTCCTTTGAGTTACTTCCTTATGCATATTTTACTTTAACAGGAAGA[G>T]GTACTGCAACATTTGATGGGACGGCAATAGCAAATGCAGTTGTTAAAGAACTTGCTGAGA-3'
Protein context (NP_000170.1, residues 1208-1228): SLVLVDELGR[Gly1218Cys]TATFDGTAIA